The following is an entry in ClinVar:

NM_033163.5(FGF8):c.686C>T (p.Thr229Met)

Gene: FGF8 (fibroblast growth factor 8; minus strand). Cytogenetic location: 10q24.32.
Variant type: single nucleotide variant.
Coding change: c.686C>T on transcript NM_033163.5 (MANE Select); coding-DNA position 686, C replaced by T.
Protein change: p.Thr229Met; replaces threonine 229 with methionine.
Molecular consequence: missense variant.
Genome position (GRCh38, 1-based): chr10:101,770,378, G>A on the plus strand (C>T on the coding strand, the complement: FGF8 is on the minus strand). VCF-style: chr10-101770378-G-A. GRCh37 (hg19) VCF-style: chr10-103530135-G-A.
Other names: c.686C>T (NM_033163.3); c.374C>T, p.Thr125Met (NM_001206389.2); c.599C>T, p.Thr200Met (NM_006119.6); c.653C>T, p.Thr218Met (NM_033164.4); c.566C>T, p.Thr189Met (NM_033165.5); short protein forms T229M, T189M, T200M, T218M, T125M.
Identifiers: ClinVar variation 9126 (VCV000009126.43), dbSNP rs137852664, ClinGen allele CA254662.
Genomic context (GRCh38, chr10:101,770,378, plus strand): 5'-CCAGGCAGCACCTATCGGGGCTCGGGGGCCCAAGTCCTCTGGCTGCCGCGCAGGCTGCGC[G>A]TGAAGGGCGGGTAGTTGAGGAACTCGAAGCGCAGGCTCTGCTCGGTGGTGTGGTGGCCCC-3'
Protein context (NP_149353.1, residues 219-239): RFEFLNYPPF[Thr229Met]RSLRGSQRTW

ClinVar aggregate classification (germline): Conflicting classifications of pathogenicity. Review status: criteria provided, conflicting classifications (1 of 4 stars). 5 submissions from 5 submitters: Uncertain significance (3); Benign (1). 1 of the submissions does not count toward it. Last evaluated 2025-12-17.

Conditions:
Hypogonadotropic hypogonadism 6 with or without anosmia (HH6). Also called: FGF8-Related GnRH Deficiency (Kallmann Syndrome 6); HYPOGONADOTROPIC HYPOGONADISM 6 WITHOUT ANOSMIA; HYPOGONADOTROPIC HYPOGONADISM 6 WITH ANOSMIA. Identifiers: Orphanet 478, MedGen C3552574, MONDO:0012988, OMIM 612702.
Holoprosencephaly 1. Also called: HOLOPROSENCEPHALY, FAMILIAL ALOBAR; ARHINENCEPHALY; HPE, FAMILIAL; DEMYER SEQUENCE. Identifiers: Orphanet 2162, MedGen C0266667, MONDO:0009349, OMIM 236100.

Allele frequency attached by ClinVar (database versions not stated): TOPMed 0.00012; gnomAD 0.00013 and 0.00018; 1000 Genomes Project 30x 0.00016; 1000 Genomes Project 0.00020; ExAC 0.00039.

Submissions (5):

Labcorp Genetics (formerly Invitae), Labcorp
Classification: Uncertain significance. Last evaluated: 2025-12-17. Review status: criteria provided, single submitter. Criteria: Invitae Variant Classification Sherloc (09022015). Collection method: clinical testing. Allele origin: germline.
Comment: This sequence change replaces threonine, which is neutral and polar, with methionine, which is neutral and non-polar, at codon 229 of the FGF8 protein (p.Thr229Met). This variant is present in population databases (rs137852664, gnomAD 0.1%), and has an allele count higher than expected for a pathogenic variant. This missense change has been observed in individual(s) with idiopathic hypogonadotropic hypogonadism (PMID: 18596921). ClinVar contains an entry for this variant (Variation ID: 9126). An algorithm developed to predict the effect of missense changes on protein structure and function (PolyPhen-2) suggests that this variant is likely to be disruptive. In summary, the available evidence is currently insufficient to determine the role of this variant in disease. Therefore, it has been classified as a Variant of Uncertain Significance.

GeneDx
Classification: Uncertain significance. Last evaluated: 2023-10-04. Review status: criteria provided, single submitter. Criteria: GeneDx Variant Classification Process June 2021. Collection method: clinical testing. Allele origin: germline. Affected: yes.
Comment: In silico analysis supports that this missense variant does not alter protein structure/function; Published functional studies demonstrate a possible damaging effect on protein function, but the biological significance of the findings is not established (Falardeau et al., 2008); This variant is associated with the following publications: (PMID: 21664428, 21976454, 21045958, 19621416, 28645738, 18596921)

CeGaT Center for Human Genetics Tuebingen
Classification: Benign. Last evaluated: 2022-12-01. Review status: criteria provided, single submitter. Criteria: CeGaT Center For Human Genetics Tuebingen Variant Classification Criteria Version 2. Collection method: clinical testing. Allele origin: germline. Affected: yes. Observed: 2 variant alleles.
Comment: FGF8: BS1, BS2

Mendelics
Classification: Uncertain significance for Holoprosencephaly 1. Last evaluated: 2019-05-28. Review status: criteria provided, single submitter. Criteria: Mendelics Assertion Criteria 2017. Collection method: clinical testing. Allele origin: unknown.

OMIM
Classification: Uncertain significance for RECLASSIFIED - VARIANT OF UNKNOWN SIGNIFICANCE. Last evaluated: 2010-01-01. Review status: no assertion criteria provided. Collection method: literature only. Allele origin: germline. Not counted in ClinVar's aggregate classification.

Literature cited by the submitters: PubMed 18596921 (cited by Labcorp Genetics (formerly Invitae), Labcorp and OMIM); PubMed 21045958 (cited by OMIM).